The following is an entry in ClinVar:

NM_003954.5(MAP3K14):c.485C>T (p.Ala162Val)

Gene: MAP3K14 (mitogen-activated protein kinase kinase kinase 14; minus strand). Cytogenetic location: 17q21.31.
Variant type: single nucleotide variant.
Coding change: c.485C>T on transcript NM_003954.5 (MANE Select); coding-DNA position 485, C replaced by T.
Protein change: p.Ala162Val; replaces alanine 162 with valine.
Molecular consequence: missense variant.
Genome position (GRCh38, 1-based): chr17:45,287,206, G>A on the plus strand (C>T on the coding strand, the complement: MAP3K14 is on the minus strand). VCF-style: chr17-45287206-G-A. GRCh37 (hg19) VCF-style: chr17-43364572-G-A.
Other names: short protein forms A162V.
Identifiers: ClinVar variation 1464401 (VCV001464401.6), dbSNP rs2143821845, ClinGen allele CA399890185.

ClinVar aggregate classification (germline): Uncertain significance (1 of 4 stars; one submission).

Conditions:
NIK deficiency. Also called: Primary immunodeficiency with multifaceted aberrant lymphoid immunity. Identifiers: Orphanet 447731, MedGen C5680065, MONDO:0018642.

Submission:

Labcorp Genetics (formerly Invitae), Labcorp
Classification: Uncertain significance for NIK deficiency. Last evaluated: 2022-01-27. Review status: criteria provided, single submitter. Criteria: Invitae Variant Classification Sherloc (09022015). Collection method: clinical testing. Allele origin: germline.
Comment: In summary, the available evidence is currently insufficient to determine the role of this variant in disease. Therefore, it has been classified as a Variant of Uncertain Significance. Experimental studies and prediction algorithms are not available or were not evaluated, and the functional significance of this variant is currently unknown. This variant has not been reported in the literature in individuals affected with MAP3K14-related conditions. This variant is not present in population databases (gnomAD no frequency). This sequence change replaces alanine, which is neutral and non-polar, with valine, which is neutral and non-polar, at codon 162 of the MAP3K14 protein (p.Ala162Val).